The following is an entry in ClinVar:

NM_005251.3(FOXC2):c.544C>G (p.His182Asp)

Gene: FOXC2 (forkhead box C2; plus strand). Cytogenetic location: 16q24.1.
Variant type: single nucleotide variant.
Coding change: c.544C>G on transcript NM_005251.3 (MANE Select); coding-DNA position 544, C replaced by G.
Protein change: p.His182Asp; replaces histidine 182 with aspartic acid.
Molecular consequence: missense variant.
Genome position (GRCh38, 1-based): chr16:86,567,879, C>G. VCF-style: chr16-86567879-C-G. GRCh37 (hg19) VCF-style: chr16-86601485-C-G.
Other names: short protein forms H182D.
Identifiers: ClinVar variation 3892374 (VCV003892374.2).

ClinVar aggregate classification (germline): Uncertain significance. Review status: criteria provided, multiple submitters, no conflicts (2 of 4 stars). 2 submissions from 2 submitters: Uncertain significance (2). Last evaluated 2025-05-18.

Conditions:
Distichiasis-lymphedema syndrome. Also called: LYMPHEDEMA WITH DISTICHIASIS. Identifiers: Orphanet 33001, MedGen C0265345, MONDO:0007922, OMIM 153400.

Submissions (2):

Labcorp Genetics (formerly Invitae), Labcorp
Classification: Uncertain significance. Last evaluated: 2025-05-18. Review status: criteria provided, single submitter. Criteria: Invitae Variant Classification Sherloc (09022015). Collection method: clinical testing. Allele origin: germline.
Comment: This sequence change replaces histidine, which is basic and polar, with aspartic acid, which is acidic and polar, at codon 182 of the FOXC2 protein (p.His182Asp). This variant is present in population databases (rs201924901, gnomAD 0.03%), including at least one homozygous and/or hemizygous individual. This variant has not been reported in the literature in individuals affected with FOXC2-related conditions. An algorithm developed to predict the effect of missense changes on protein structure and function (PolyPhen-2) suggests that this variant is likely to be tolerated. In summary, the available evidence is currently insufficient to determine the role of this variant in disease. Therefore, it has been classified as a Variant of Uncertain Significance.

Department of Pathology and Laboratory Medicine, Sinai Health System
Classification: Uncertain significance for Distichiasis-lymphedema syndrome. Last evaluated: 2022-03-25. Review status: criteria provided, single submitter. Criteria: ACMG Guidelines, 2015. Collection method: research. Allele origin: germline.